The following is an entry in ClinVar:

NM_025114.4(CEP290):c.4232_4234del (p.Glu1411del)

Gene: CEP290 (centrosomal protein 290; minus strand). Cytogenetic location: 12q21.32.
Variant type: Deletion.
Coding change: c.4232_4234del on transcript NM_025114.4 (MANE Select); coding-DNA positions 4232 to 4234, 3 bases deleted (AAG; older notation c.4232_4234delAAG).
Protein change: p.Glu1411del; deletes glutamic acid 1411.
Molecular consequence: inframe deletion.
Genome position (GRCh38, 1-based): chr12:88,086,459-88,086,461, CTT deleted on the plus strand (AAG on the coding strand, the reverse complement: CEP290 is on the minus strand); deleting any 3 consecutive bases within chr12:88,086,459-88,086,463 gives the same sequence; the c. name uses the placement nearest the transcript's 3' end. VCF-style (leftmost placement, unchanged base first): chr12-88086458-ACTT-A. GRCh37 (hg19) VCF-style: chr12-88480235-ACTT-A.
Other names: short protein forms E1411del.
Identifiers: ClinVar variation 4991269 (VCV004991269.1).

ClinVar aggregate classification (germline): Uncertain significance (1 of 4 stars; one submission).

Conditions:
CEP290-related disorder. Also called: CEP290-related condition; CEP290-related disorders. Identifiers: MedGen CN239314.

Submission:

PreventionGenetics, part of Exact Sciences
Classification: Uncertain significance for CEP290-related condition. Last evaluated: 2026-08-11. Review status: criteria provided, single submitter. Criteria: ACMG Guidelines, 2015. Collection method: clinical testing. Allele origin: germline.
Comment: The CEP290 c.4232_4234delAAG variant is predicted to result in an in-frame deletion (p.Glu1411del). To our knowledge, this variant has not been reported in the literature or in a large population database (gnomAD), indicating this variant is rare. At this time, the clinical significance of this variant is uncertain due to the absence of conclusive functional and genetic evidence.